The following is an entry in ClinVar:

NM_015272.5(RPGRIP1L):c.461A>C (p.Gln154Pro)

Gene: RPGRIP1L (RPGRIP1 like; minus strand). Cytogenetic location: 16q12.2.
Variant type: single nucleotide variant.
Coding change: c.461A>C on transcript NM_015272.5 (MANE Select); coding-DNA position 461, A replaced by C.
Protein change: p.Gln154Pro; replaces glutamine 154 with proline.
Molecular consequence: missense variant.
Genome position (GRCh38, 1-based): chr16:53,692,134, T>G on the plus strand (A>C on the coding strand, the complement: RPGRIP1L is on the minus strand). VCF-style: chr16-53692134-T-G. GRCh37 (hg19) VCF-style: chr16-53726046-T-G.
Other names: c.461A>C, p.Gln154Pro (NM_001127897.4, NM_001308334.3, NM_001330538.2); c.461A>C (NM_015272.2); short protein forms Q154P.
Identifiers: ClinVar variation 3351925 (VCV003351925.2).
Genomic context (GRCh38, chr16:53,692,134, plus strand): 5'-GGGCATTCCTGTAAACCAGCATTTTCATTTGCTTTTCTACGCCCAGTGTTAATACGAGAT[T>G]GTACATTATTGTATGGAGTTTGCCTGTAACCCTGGGTTTGAAGTTGCTGTTTGGCTGAAA-3'
Protein context (NP_056087.2, residues 144-164): GYRQTPYNNV[Gln154Pro]SRINTGRRKA

ClinVar aggregate classification (germline): Uncertain significance. Review status: criteria provided, single submitter (1 of 4 stars). 2 submissions from 2 submitters: Uncertain significance (1). 1 of the submissions does not count toward it. Last evaluated 2025-08-11.

Conditions:
RPGRIP1L-related disorder. Also called: RPGRIP1L-related condition; RPGRIP1L-related disorders. Identifiers: MedGen CN239416.
Inborn genetic diseases. Identifiers: MedGen C0950123, MeSH D030342.

gnomAD v4.1: 7 of 1,614,046 alleles (0.00043%); highest among the groups gnomAD compares: Admixed American, 0.0067%; no homozygotes.

Submissions (2):

Ambry Genetics
Classification: Uncertain significance for Inborn genetic diseases. Last evaluated: 2025-08-11. Review status: criteria provided, single submitter. Criteria: Ambry Variant Classification Scheme 2023. Collection method: clinical testing. Allele origin: germline.

PreventionGenetics, part of Exact Sciences
Classification: Uncertain significance for RPGRIP1L-related condition. Last evaluated: 2024-08-29. Review status: no assertion criteria provided. Collection method: clinical testing. Allele origin: germline. Not counted in ClinVar's aggregate classification.
Comment: The RPGRIP1L c.461A>C variant is predicted to result in the amino acid substitution p.Gln154Pro. To our knowledge, this variant has not been reported in the literature. This variant is reported in 0.0087% of alleles in individuals of Latino descent in gnomAD. At this time, the clinical significance of this variant is uncertain due to the absence of conclusive functional and genetic evidence.